The following is an entry in ClinVar:

NM_001007527.2(LMBRD2):c.1931C>A (p.Thr644Asn)

Gene: LMBRD2 (LMBR1 domain containing 2; minus strand). Cytogenetic location: 5p13.2.
Variant type: single nucleotide variant.
Coding change: c.1931C>A on transcript NM_001007527.2 (MANE Select); coding-DNA position 1931, C replaced by A.
Protein change: p.Thr644Asn; replaces threonine 644 with asparagine.
Molecular consequence: missense variant.
Genome position (GRCh38, 1-based): chr5:36,105,164, G>T on the plus strand (C>A on the coding strand, the complement: LMBRD2 is on the minus strand). VCF-style: chr5-36105164-G-T. GRCh37 (hg19) VCF-style: chr5-36105266-G-T.
Other names: short protein forms T644N.
Identifiers: ClinVar variation 4872397 (VCV004872397.2).

ClinVar aggregate classification (germline): Likely benign (1 of 4 stars; one submission).

gnomAD v4.1: 298 of 1,612,666 alleles (0.018%); highest among the groups gnomAD compares: Middle Eastern, 0.066%; no homozygotes.

Submission:

CeGaT Center for Human Genetics Tuebingen
Classification: Likely benign. Last evaluated: 2026-06-01. Review status: criteria provided, single submitter. Criteria: CeGaT Center For Human Genetics Tuebingen Variant Classification Criteria Version 2. Collection method: clinical testing. Allele origin: germline. Affected: yes. Observed: 1 variant allele.
Comment: LMBRD2: BP4, BS2